The following is an entry in ClinVar:

ClinVar aggregate classification (germline): Uncertain significance (1 of 4 stars; one submission).

Conditions:
Hereditary cancer-predisposing syndrome. Also called: Hereditary Cancer Syndrome; Hereditary neoplastic syndrome; Neoplastic Syndromes, Hereditary; Tumor predisposition. Identifiers: Orphanet 140162, MedGen C0027672, MeSH D009386, MONDO:0015356.

Allele frequency attached by ClinVar (database versions not stated): gnomAD exomes below 0.00001.
gnomAD v4.1: 1 of 1,614,240 alleles (0.000062%); highest among the groups gnomAD compares: Non-Finnish European, 0.000085%; no homozygotes.

Submission:

Ambry Genetics
Classification: Uncertain significance for Hereditary cancer-predisposing syndrome. Last evaluated: 2025-12-11. Review status: criteria provided, single submitter. Criteria: Ambry Variant Classification Scheme 2023. Collection method: clinical testing. Allele origin: germline.
Comment: The p.I312T variant (also known as c.935T>C), located in coding exon 9 of the FANCC gene, results from a T to C substitution at nucleotide position 935. The isoleucine at codon 312 is replaced by threonine, an amino acid with similar properties. This amino acid position is conserved. In addition, this alteration is predicted to be tolerated by in silico analysis. Since supporting evidence is limited at this time, the clinical significance of this alteration remains unclear.

NM_000136.3(FANCC):c.935T>C (p.Ile312Thr)

Genes: FANCC (FA complementation group C; minus strand), AOPEP (aminopeptidase O (putative); plus strand). Cytogenetic location: 9q22.32.
Variant type: single nucleotide variant.
Coding change: c.935T>C on transcript NM_000136.3 (MANE Select); coding-DNA position 935, T replaced by C.
Protein change: p.Ile312Thr; replaces isoleucine 312 with threonine.
Molecular consequence: missense variant.
Genome position (GRCh38, 1-based): chr9:95,125,147, A>G on the plus strand (T>C on the coding strand, the complement: FANCC is on the minus strand). VCF-style: chr9-95125147-A-G. GRCh37 (hg19) VCF-style: chr9-97887429-A-G.
Other names: c.935T>C, p.Ile312Thr (NM_001243743.2, NM_001243744.2); short protein forms I312T.
Identifiers: ClinVar variation 1766681 (VCV001766681.3), dbSNP rs528168019, ClinGen allele CA196556033.